The following is an entry in ClinVar:

NM_032608.7(MYO18B):c.7543A>G (p.Ile2515Val)

Gene: MYO18B (myosin XVIIIB; plus strand). Cytogenetic location: 22q12.1.
Variant type: single nucleotide variant.
Coding change: c.7543A>G on transcript NM_032608.7 (MANE Select); coding-DNA position 7543, A replaced by G.
Protein change: p.Ile2515Val; replaces isoleucine 2515 with valine.
Molecular consequence: missense variant.
Genome position (GRCh38, 1-based): chr22:26,027,517, A>G. VCF-style: chr22-26027517-A-G. GRCh37 (hg19) VCF-style: chr22-26423483-A-G.
Other names: c.7546A>G, p.Ile2516Val (NM_001318245.2); c.7543A>G (NM_032608.5, NM_032608.6); short protein forms I2516V, I2515V.
Identifiers: ClinVar variation 1520366 (VCV001520366.6), dbSNP rs199947430, ClinGen allele CA10161802.

ClinVar aggregate classification (germline): Uncertain significance. Review status: criteria provided, multiple submitters, no conflicts (2 of 4 stars). 3 submissions from 3 submitters: Uncertain significance (3). Last evaluated 2026-04-29.

Conditions:
Inborn genetic diseases. Identifiers: MedGen C0950123, MeSH D030342.
MYO18B-related disorder. Also called: MYO18B-related condition.

Allele frequency attached by ClinVar (database versions not stated): ExAC 0.00008; gnomAD exomes 0.00014 and 0.00030; TOPMed 0.00014; gnomAD 0.00017 and 0.00018; ESP Exome Variant Server 0.00024.
gnomAD v4.1: 462 of 1,613,896 alleles (0.029%); highest among the groups gnomAD compares: Non-Finnish European, 0.037%; no homozygotes.

Submissions (3):

PreventionGenetics, part of Exact Sciences
Classification: Uncertain significance for MYO18B-related condition. Last evaluated: 2026-04-29. Review status: criteria provided, single submitter. Criteria: ACMG Guidelines, 2015. Collection method: clinical testing. Allele origin: germline.
Comment: The MYO18B c.7543A>G variant is predicted to result in the amino acid substitution p.Ile2515Val. To our knowledge, this variant has not been reported in the literature. This variant is reported in 0.025% of alleles in individuals of European (Non-Finnish) descent in gnomAD. At this time, the clinical significance of this variant is uncertain due to the absence of conclusive functional and genetic evidence.

Ambry Genetics
Classification: Uncertain significance for Inborn genetic diseases. Last evaluated: 2025-10-02. Review status: criteria provided, single submitter. Criteria: Ambry Variant Classification Scheme 2023. Collection method: clinical testing. Allele origin: germline.

Labcorp Genetics (formerly Invitae), Labcorp
Classification: Uncertain significance. Last evaluated: 2022-10-17. Review status: criteria provided, single submitter. Criteria: Invitae Variant Classification Sherloc (09022015). Collection method: clinical testing. Allele origin: germline.
Comment: This sequence change replaces isoleucine, which is neutral and non-polar, with valine, which is neutral and non-polar, at codon 2515 of the MYO18B protein (p.Ile2515Val). This variant is present in population databases (rs199947430, gnomAD 0.02%). This variant has not been reported in the literature in individuals affected with MYO18B-related conditions. ClinVar contains an entry for this variant (Variation ID: 1520366). Algorithms developed to predict the effect of missense changes on protein structure and function output the following: SIFT: "Not Available"; PolyPhen-2: "Benign"; Align-GVGD: "Not Available". The valine amino acid residue is found in multiple mammalian species, which suggests that this missense change does not adversely affect protein function. In summary, the available evidence is currently insufficient to determine the role of this variant in disease. Therefore, it has been classified as a Variant of Uncertain Significance.